The following is an entry in ClinVar:

NM_000089.4(COL1A2):c.1694G>C (p.Gly565Ala)

Gene: COL1A2 (collagen type I alpha 2 chain; plus strand). Cytogenetic location: 7q21.3.
Variant type: single nucleotide variant.
Coding change: c.1694G>C on transcript NM_000089.4 (MANE Select); coding-DNA position 1694, G replaced by C.
Protein change: p.Gly565Ala; replaces glycine 565 with alanine.
Molecular consequence: missense variant.
Genome position (GRCh38, 1-based): chr7:94,414,250, G>C. VCF-style: chr7-94414250-G-C. GRCh37 (hg19) VCF-style: chr7-94043562-G-C.
Other names: short protein forms G565A.
Identifiers: ClinVar variation 196158 (VCV000196158.10), dbSNP rs794727470, ClinGen allele CA243024.

ClinVar aggregate classification (germline): Pathogenic/Likely pathogenic. Review status: criteria provided, multiple submitters, no conflicts (2 of 4 stars). 2 submissions from 2 submitters: Pathogenic (1); Likely pathogenic (1). Last evaluated 2025-04-04.

Conditions:
Ehlers-Danlos syndrome, classic type, 1 (EDSCL1). Also called: Ehlers-Danlos Syndrome, Classic Type, COL5A1-Related; EHLERS-DANLOS SYNDROME, GRAVIS TYPE; EHLERS-DANLOS SYNDROME, SEVERE CLASSIC TYPE; Ehlers-Danlos syndrome, type 1; EDS I. Identifiers: MedGen C0268335, MONDO:0019567, OMIM 130000.
Osteogenesis imperfecta type I (OI1). Also called: Classic Non-deforming Osteogenesis Imperfecta with Blue Sclerae; Osteogenesis imperfecta type 1; OSTEOGENESIS IMPERFECTA WITH BLUE SCLERAE; Lobstein disease; Lobstein's Disease; OI, TYPE I. Identifiers: Orphanet 216796, Orphanet 666, MedGen C0023931, MONDO:0008146, OMIM 166200. Disease mechanism: loss of function.

Submissions (2):

Labcorp Genetics (formerly Invitae), Labcorp
Classification: Pathogenic for Osteogenesis imperfecta type I; Ehlers-Danlos syndrome, classic type, 1. Last evaluated: 2025-04-04. Review status: criteria provided, single submitter. Criteria: Invitae Variant Classification Sherloc (09022015). Collection method: clinical testing. Allele origin: germline.
Comment: This sequence change replaces glycine, which is neutral and non-polar, with alanine, which is neutral and non-polar, at codon 565 of the COL1A2 protein (p.Gly565Ala). This variant is not present in population databases (gnomAD no frequency). This missense change has been observed in individual(s) with clinical features of autosomal dominant osteogenesis imperfecta (internal data). ClinVar contains an entry for this variant (Variation ID: 196158). Invitae Evidence Modeling of protein sequence and biophysical properties (such as structural, functional, and spatial information, amino acid conservation, physicochemical variation, residue mobility, and thermodynamic stability) indicates that this missense variant is expected to disrupt COL1A2 protein function with a positive predictive value of 95%. This variant disrupts the triple helix domain of COL1A2. Glycine residues within the Gly-Xaa-Yaa repeats of the triple helix domain are required for the structure and stability of fibrillar collagens (PMID: 7695699, 8218237, 19344236). In COL1A2, variants affecting these glycine residues are significantly enriched in individuals with disease (PMID: 9016532, 17078022) compared to the general population (ExAC). For these reasons, this variant has been classified as Pathogenic.

Eurofins Ntd Llc (ga)
Classification: Likely pathogenic. Last evaluated: 2018-08-09. Review status: criteria provided, single submitter. Criteria: EGL ClinVar v180209 classification definitions. Collection method: clinical testing. Allele origin: germline. Observed: 2 variant alleles, 2 heterozygotes.

Literature cited by the submitters: PubMed 7695699 (cited by Labcorp Genetics (formerly Invitae), Labcorp); PubMed 8218237 (cited by Labcorp Genetics (formerly Invitae), Labcorp); PubMed 19344236 (cited by Labcorp Genetics (formerly Invitae), Labcorp); PubMed 9016532 (cited by Labcorp Genetics (formerly Invitae), Labcorp); PubMed 17078022 (cited by Labcorp Genetics (formerly Invitae), Labcorp).